The following is an entry in ClinVar:

NM_001367561.1(DOCK7):c.5493+4A>C

Gene: DOCK7 (dedicator of cytokinesis 7; minus strand). Cytogenetic location: 1p31.3.
Variant type: single nucleotide variant.
Coding change: c.5493+4A>C on transcript NM_001367561.1 (MANE Select); 4 bases into the intron after coding-DNA position 5493, A replaced by C.
Molecular consequence: intron variant.
Genome position (GRCh38, 1-based): chr1:62,488,930, T>G on the plus strand (A>C on the coding strand, the complement: DOCK7 is on the minus strand). VCF-style: chr1-62488930-T-G. GRCh37 (hg19) VCF-style: chr1-62954601-T-G.
Other names: c.5373+4A>C (NM_001272001.2, NM_001272000.2); c.5400+4A>C (NM_033407.4); c.5466+4A>C (NM_001271999.2, NM_001330614.2).
Identifiers: ClinVar variation 2233941 (VCV002233941.2), dbSNP rs1227331119, ClinGen allele CA1002435355.

ClinVar aggregate classification (germline): Uncertain significance (1 of 4 stars; one submission).

Conditions:
Inborn genetic diseases. Identifiers: MedGen C0950123, MeSH D030342.

gnomAD v4.1: 2 of 1,613,576 alleles (0.00012%); highest among the groups gnomAD compares: Non-Finnish European, 0.00017%; no homozygotes.

Submission:

Ambry Genetics
Classification: Uncertain significance for Inborn genetic diseases. Last evaluated: 2021-07-27. Review status: criteria provided, single submitter. Criteria: Ambry Variant Classification Scheme 2023. Collection method: clinical testing. Allele origin: germline.
Comment: The c.5400+4A>C intronic alteration consists of a A to C substitution 4 nucleotides after exon 41 of the DOCK7 gene. Based on insufficient or conflicting evidence, the clinical significance of this alteration remains unclear.